The following is an entry in ClinVar:

ClinVar aggregate classification (germline): Likely benign. Review status: criteria provided, single submitter (1 of 4 stars). 2 submissions from 2 submitters: Likely benign (1). 1 of the submissions does not count toward it. Last evaluated 2025-12-21.

Conditions:
FRAS1-related disorder. Also called: FRAS1-related condition.

Allele frequency attached by ClinVar (database versions not stated): TOPMed 0.00002; ExAC 0.00003; gnomAD exomes 0.00005 and 0.00006; ESP Exome Variant Server 0.00008; gnomAD 0.00011.
gnomAD v4.1: 93 of 1,613,744 alleles (0.0058%); highest among the groups gnomAD compares: Non-Finnish European, 0.0057%; no homozygotes.

Submissions (2):

Labcorp Genetics (formerly Invitae), Labcorp
Classification: Likely benign. Last evaluated: 2025-12-21. Review status: criteria provided, single submitter. Criteria: Invitae Variant Classification Sherloc (09022015). Collection method: clinical testing. Allele origin: germline.

PreventionGenetics, part of Exact Sciences
Classification: Likely benign for FRAS1-related condition. Last evaluated: 2019-02-28. Review status: no assertion criteria provided. Collection method: clinical testing. Allele origin: germline. Not counted in ClinVar's aggregate classification.
Comment: This variant is classified as likely benign based on ACMG/AMP sequence variant interpretation guidelines (Richards et al. 2015 PMID: 25741868, with internal and published modifications).

NM_025074.7(FRAS1):c.5760T>C (p.Val1920=)

Gene: FRAS1 (Fraser extracellular matrix complex subunit 1; plus strand). Cytogenetic location: 4q21.21.
Variant type: single nucleotide variant.
Coding change: c.5760T>C on transcript NM_025074.7 (MANE Select); coding-DNA position 5760, T replaced by C.
Protein change: p.Val1920=; no amino-acid change (valine 1920 retained).
Molecular consequence: synonymous variant.
Genome position (GRCh38, 1-based): chr4:78,445,616, T>C. VCF-style: chr4-78445616-T-C. GRCh37 (hg19) VCF-style: chr4-79366770-T-C.
Other names: c.5760T>C (NM_025074.6); c.5760T>C, p.Val1920= (NM_001166133.2).
Identifiers: ClinVar variation 1625975 (VCV001625975.11), dbSNP rs370291673, ClinGen allele CA2977602.